The following is an entry in ClinVar:

ClinVar aggregate classification (germline): Pathogenic (1 of 4 stars; one submission).

Conditions:
HYPERHOMOCYSTEINEMIA, THROMBOTIC, CBS-RELATED. Identifiers: MedGen C3150344, OMIM 236200.

Submission:

Labcorp Genetics (formerly Invitae), Labcorp
Classification: Pathogenic for HYPERHOMOCYSTEINEMIA, THROMBOTIC, CBS-RELATED. Last evaluated: 2023-05-05. Review status: criteria provided, single submitter. Criteria: Invitae Variant Classification Sherloc (09022015). Collection method: clinical testing. Allele origin: germline.
Comment: For these reasons, this variant has been classified as Pathogenic. This variant is also known as 753delG (V252fsX268). This premature translational stop signal has been observed in individual(s) with homocystinuria (PMID: 20051935). This variant is not present in population databases (gnomAD no frequency). This sequence change creates a premature translational stop signal (p.Val252Trpfs*17) in the CBS gene. It is expected to result in an absent or disrupted protein product. Loss-of-function variants in CBS are known to be pathogenic (PMID: 10338090, 12124992).

Literature cited by the submitters: PubMed 20051935; PubMed 10338090; PubMed 12124992.

NM_000071.3(CBS):c.754del (p.Val252fs)

Gene: CBS (cystathionine beta-synthase; minus strand). Cytogenetic location: 21q22.3.
Variant type: Deletion.
Coding change: c.754del on transcript NM_000071.3 (MANE Select); coding-DNA position 754, one base deleted (G; older notation c.754delG).
Protein change: p.Val252fs; shifts the reading frame from valine 252.
Molecular consequence: frameshift variant.
Genome position (GRCh38, 1-based): chr21:43,063,974, C deleted on the plus strand (G on the coding strand, the reverse complement: CBS is on the minus strand); the first of 2 consecutive C bases (chr21:43,063,974-43,063,975); deleting either gives the same sequence. VCF-style (leftmost placement, unchanged base first): chr21-43063973-AC-A. GRCh37 (hg19) VCF-style: chr21-44484083-AC-A.
Other names: c.754del, p.Val252fs (NM_001178008.3, NM_001178009.3, NM_001320298.2); c.439del, p.Val147fs (NM_001321072.1); short protein forms V147fs, V252fs.
Identifiers: ClinVar variation 2737000 (VCV002737000.3), dbSNP rs2517437166, ClinGen allele CA2695230224.